The following is an entry in ClinVar:

ClinVar aggregate classification (germline): Conflicting classifications of pathogenicity. Review status: criteria provided, conflicting classifications (1 of 4 stars). 2 submissions from 2 submitters: Uncertain significance (1); Likely benign (1). Last evaluated 2025-05-16.

Conditions:
Hereditary cancer-predisposing syndrome. Also called: Tumor predisposition; Neoplastic Syndromes, Hereditary; Hereditary neoplastic syndrome; Hereditary Cancer Syndrome. Identifiers: Orphanet 140162, MedGen C0027672, MeSH D009386, MONDO:0015356.

Allele frequency attached by ClinVar (database versions not stated): gnomAD exomes below 0.00001 and 0.00001; TOPMed 0.00001.
gnomAD v4.1: 11 of 1,614,126 alleles (0.00068%); highest among the groups gnomAD compares: South Asian, 0.0077%; no homozygotes.

Submissions (2):

Ambry Genetics
Classification: Likely benign for Hereditary cancer-predisposing syndrome. Last evaluated: 2025-05-16. Review status: criteria provided, single submitter. Criteria: Ambry Variant Classification Scheme 2023. Collection method: clinical testing. Allele origin: germline.

Labcorp Genetics (formerly Invitae), Labcorp
Classification: Uncertain significance. Last evaluated: 2024-11-15. Review status: criteria provided, single submitter. Criteria: Invitae Variant Classification Sherloc (09022015). Collection method: clinical testing. Allele origin: germline.
Comment: This sequence change replaces isoleucine, which is neutral and non-polar, with valine, which is neutral and non-polar, at codon 736 of the POLE protein (p.Ile736Val). This variant is present in population databases (no rsID available, gnomAD 0.003%). This variant has not been reported in the literature in individuals affected with POLE-related conditions. ClinVar contains an entry for this variant (Variation ID: 851224). Invitae Evidence Modeling of protein sequence and biophysical properties (such as structural, functional, and spatial information, amino acid conservation, physicochemical variation, residue mobility, and thermodynamic stability) indicates that this missense variant is not expected to disrupt POLE protein function with a negative predictive value of 80%. In summary, the available evidence is currently insufficient to determine the role of this variant in disease. Therefore, it has been classified as a Variant of Uncertain Significance.

NM_006231.4(POLE):c.2206A>G (p.Ile736Val)

Gene: POLE (DNA polymerase epsilon, catalytic subunit; minus strand). Cytogenetic location: 12q24.33.
Variant type: single nucleotide variant.
Coding change: c.2206A>G on transcript NM_006231.4 (MANE Select); coding-DNA position 2206, A replaced by G.
Protein change: p.Ile736Val; replaces isoleucine 736 with valine.
Molecular consequence: missense variant.
Genome position (GRCh38, 1-based): chr12:132,667,616, T>C on the plus strand (A>G on the coding strand, the complement: POLE is on the minus strand). VCF-style: chr12-132667616-T-C. GRCh37 (hg19) VCF-style: chr12-133244202-T-C.
Other names: c.2206A>G (NM_006231.2); short protein forms I736V.
Identifiers: ClinVar variation 851224 (VCV000851224.8), dbSNP rs1246940718, ClinGen allele CA387352302.